The following is an entry in ClinVar:

NM_002788.4(PSMA3):c.571G>A (p.Val191Ile)

Genes: PSMA3-AS1 (PSMA3 antisense RNA 1; minus strand), PSMA3 (proteasome 20S subunit alpha 3; plus strand). Cytogenetic location: 14q23.1.
Variant type: single nucleotide variant.
Coding change: c.571G>A on transcript NM_002788.4 (MANE Select); coding-DNA position 571, G replaced by A.
Protein change: p.Val191Ile; replaces valine 191 with isoleucine.
Molecular consequence: missense variant. On other transcripts: non-coding transcript variant (1).
Genome position (GRCh38, 1-based): chr14:58,267,501, G>A. VCF-style: chr14-58267501-G-A. GRCh37 (hg19) VCF-style: chr14-58734219-G-A.
Other names: c.550G>A, p.Val184Ile (NM_152132.3); short protein forms V184I, V191I.
Identifiers: ClinVar variation 2785549 (VCV002785549.3), dbSNP rs1207066437, ClinGen allele CA389852178.
Genomic context (GRCh38, chr14:58,267,501, plus strand): 5'-TCTGATGAACAGTATACATTTTATTTTCTATAGATGAAAGAAATGACCTGCCGTGATATC[G>A]TTAAAGAAGTTGCAAAAATGTAAGTTGAAATTTTTCTTACCATCCACAAAAATATTTCAT-3'
Protein context (NP_002779.1, residues 181-201): QMKEMTCRDI[Val191Ile]KEVAKIIYIV

ClinVar aggregate classification (germline): Uncertain significance (1 of 4 stars; one submission).

Allele frequency attached by ClinVar (database versions not stated): gnomAD exomes below 0.00001; gnomAD 0.00001; TOPMed below 0.00001.

Submission:

Labcorp Genetics (formerly Invitae), Labcorp
Classification: Uncertain significance. Last evaluated: 2025-05-30. Review status: criteria provided, single submitter. Criteria: Invitae Variant Classification Sherloc (09022015). Collection method: clinical testing. Allele origin: germline.
Comment: This sequence change replaces valine, which is neutral and non-polar, with isoleucine, which is neutral and non-polar, at codon 191 of the PSMA3 protein (p.Val191Ile). This variant is present in population databases (no rsID available, gnomAD 0.06%). This variant has not been reported in the literature in individuals affected with PSMA3-related conditions. ClinVar contains an entry for this variant (Variation ID: 2785549). An algorithm developed to predict the effect of missense changes on protein structure and function (PolyPhen-2) suggests that this variant is likely to be tolerated. In summary, the available evidence is currently insufficient to determine the role of this variant in disease. Therefore, it has been classified as a Variant of Uncertain Significance.